The following is an entry in ClinVar:

ClinVar aggregate classification (germline): Uncertain significance (1 of 4 stars; one submission).

Conditions:
Hereditary pancreatitis (PCTT). Also called: PRSS1-Related Hereditary Pancreatitis; Hereditary chronic pancreatitis. Identifiers: Orphanet 676, MedGen C0238339, MONDO:0008185, OMIM 167800.

gnomAD v4.1: 1 of 1,614,224 alleles (0.000062%); no homozygotes.

Submission:

Ambry Genetics
Classification: Uncertain significance for Hereditary pancreatitis. Last evaluated: 2023-09-07. Review status: criteria provided, single submitter. Criteria: Ambry Variant Classification Scheme 2023. Collection method: clinical testing. Allele origin: germline.
Comment: The p.T239I variant (also known as c.716C>T), located in coding exon 7 of the CPA1 gene, results from a C to T substitution at nucleotide position 716. The threonine at codon 239 is replaced by isoleucine, an amino acid with similar properties. This amino acid position is conserved. In addition, the in silico prediction for this alteration is inconclusive. Since supporting evidence is limited at this time, the clinical significance of this alteration remains unclear.

NM_001868.4(CPA1):c.716C>T (p.Thr239Ile)

Gene: CPA1 (carboxypeptidase A1; plus strand). Cytogenetic location: 7q32.2.
Variant type: single nucleotide variant.
Coding change: c.716C>T on transcript NM_001868.4 (MANE Select); coding-DNA position 716, C replaced by T.
Protein change: p.Thr239Ile; replaces threonine 239 with isoleucine.
Molecular consequence: missense variant.
Genome position (GRCh38, 1-based): chr7:130,384,555, C>T. VCF-style: chr7-130384555-C-T. GRCh37 (hg19) VCF-style: chr7-130024396-C-T.
Other names: short protein forms T239I.
Identifiers: ClinVar variation 2625446 (VCV002625446.2), dbSNP rs782257701, ClinGen allele CA369282923.
Genomic context (GRCh38, chr7:130,384,555, plus strand): 5'-CACACGTGCCTCGGGGTGGCTGATCCCATTTCCTTCCTCAGAATCGCATGTGGCGCAAGA[C>T]TCGGTCCCACACAGCAGGCTCCCTCTGTATTGGCGTGGACCCCAACAGGAACTGGGACGC-3'
Protein context (NP_001859.1, residues 229-249): THSTNRMWRK[Thr239Ile]RSHTAGSLCI